The following is an entry in ClinVar:

ClinVar aggregate classification (germline): Uncertain significance (1 of 4 stars; one submission).

Conditions:
Myopathy, proximal, and ophthalmoplegia (CMYO6). Also called: MYOPATHY WITH CONGENITAL JOINT CONTRACTURES, OPHTHALMOPLEGIA, AND RIMMED VACUOLES; INCLUSION BODY MYOPATHY 3, AUTOSOMAL DOMINANT; CONGENITAL MYOPATHY 6 WITH OPHTHALMOPLEGIA. Identifiers: Orphanet 363677, Orphanet 79091, MedGen C1854106, MONDO:0011577, OMIM 605637.

Submission:

Labcorp Genetics (formerly Invitae), Labcorp
Classification: Uncertain significance for Myopathy, proximal, and ophthalmoplegia. Last evaluated: 2020-12-10. Review status: criteria provided, single submitter. Criteria: Invitae Variant Classification Sherloc (09022015). Collection method: clinical testing. Allele origin: germline.
Comment: In summary, the available evidence is currently insufficient to determine the role of this variant in disease. Therefore, it has been classified as a Variant of Uncertain Significance. Experimental studies and prediction algorithms are not available or were not evaluated, and the functional significance of this variant is currently unknown. This variant has not been reported in the literature in individuals with MYH2-related conditions. This variant results in a copy number gain of the genomic region encompassing exon(s) 23-27 of the MYH2 gene. While the exact position of this variant cannot be determined from the data, sub-genic copy number gains are generally in tandem (PMID: 25640679). This variant is predicted to be in-frame, and likely preserves the integrity of the reading frame.

Literature cited by the submitters: PubMed 25640679.

NC_000017.10:g.(?_10431997)_(10433401_?)dup

Gene: MYH2 (myosin heavy chain 2; minus strand). Cytogenetic location: 17p13.1.
Variant type: Duplication.
Identifiers: ClinVar variation 1450462 (VCV001450462.8).